The following is an entry in ClinVar:

ClinVar aggregate classification (germline): Likely benign. Review status: criteria provided, multiple submitters, no conflicts (2 of 4 stars). 2 submissions from 2 submitters: Likely benign (2). Last evaluated 2023-11-27.

Conditions:
T-B+ severe combined immunodeficiency due to JAK3 deficiency. Also called: SCID, autosomal recessive, T-negative/B-positive type; SCID, T CELL-NEGATIVE, B CELL-POSITIVE, NK CELL-NEGATIVE. Identifiers: Orphanet 35078, MedGen C1833275, MONDO:0010938, OMIM 600802.

Allele frequency attached by ClinVar (database versions not stated): gnomAD 0.00001; TOPMed 0.00001.
gnomAD v4.1: 5 of 1,613,662 alleles (0.00031%); highest among the groups gnomAD compares: Admixed American, 0.0083%; no homozygotes.

Submissions (2):

Labcorp Genetics (formerly Invitae), Labcorp
Classification: Likely benign for T-B+ severe combined immunodeficiency due to JAK3 deficiency. Last evaluated: 2023-11-27. Review status: criteria provided, single submitter. Criteria: Invitae Variant Classification Sherloc (09022015). Collection method: clinical testing. Allele origin: germline.

GeneDx
Classification: Likely benign. Last evaluated: 2018-04-05. Review status: criteria provided, single submitter. Criteria: GeneDx Variant Classification (06012015). Collection method: clinical testing. Allele origin: germline. Affected: yes.
Comment: This variant is considered likely benign or benign based on one or more of the following criteria: it is a conservative change, it occurs at a poorly conserved position in the protein, it is predicted to be benign by multiple in silico algorithms, and/or has population frequency not consistent with disease.

NM_000215.4(JAK3):c.267C>A (p.Ser89=)

Gene: JAK3 (Janus kinase 3; minus strand). Cytogenetic location: 19p13.11.
Variant type: single nucleotide variant.
Coding change: c.267C>A on transcript NM_000215.4 (MANE Select); coding-DNA position 267, C replaced by A.
Protein change: p.Ser89=; no amino-acid change (serine 89 retained).
Molecular consequence: synonymous variant.
Genome position (GRCh38, 1-based): chr19:17,843,818, G>T on the plus strand (C>A on the coding strand, the complement: JAK3 is on the minus strand). VCF-style: chr19-17843818-G-T. GRCh37 (hg19) VCF-style: chr19-17954627-G-T.
Identifiers: ClinVar variation 681594 (VCV000681594.9), dbSNP rs754716735, ClinGen allele CA506005023.
Genomic context (GRCh38, chr19:17,843,818, plus strand): 5'-GCTGGGGGGCACTTCCTACCGAATCCTGTACAGCAGGACTTGGGTGCTGGCATCCTCCAC[G>T]GAGAAGATGTGGCTCGGGGGGAACCAGCAGGACAGGTCCTCCGTGGCCAGAGCAAAGAGG-3'
Protein context (NP_000206.2, residues 79-99): SCWFPPSHIF[Ser89=]VEDASTQVLL